The following is an entry in ClinVar:

ClinVar aggregate classification (germline): Likely benign (0 of 4 stars; one submission).

Conditions:
FOXJ1-related disorder. Also called: FOXJ1-related condition.

gnomAD v4.1: 131 of 1,602,266 alleles (0.0082%); highest among the groups gnomAD compares: Non-Finnish European, 0.01%; no homozygotes.

Submission:

PreventionGenetics, part of Exact Sciences
Classification: Likely benign for FOXJ1-related condition. Last evaluated: 2024-09-11. Review status: no assertion criteria provided. Collection method: clinical testing. Allele origin: germline.
Comment: This variant is classified as likely benign based on ACMG/AMP sequence variant interpretation guidelines (Richards et al. 2015 PMID: 25741868, with internal and published modifications).

NM_001454.4(FOXJ1):c.1023C>T (p.His341=)

Gene: FOXJ1 (forkhead box J1; minus strand). Cytogenetic location: 17q25.1.
Variant type: single nucleotide variant.
Coding change: c.1023C>T on transcript NM_001454.4 (MANE Select); coding-DNA position 1023, C replaced by T.
Protein change: p.His341=; no amino-acid change (histidine 341 retained).
Molecular consequence: synonymous variant.
Genome position (GRCh38, 1-based): chr17:76,137,596, G>A on the plus strand (C>T on the coding strand, the complement: FOXJ1 is on the minus strand). VCF-style: chr17-76137596-G-A. GRCh37 (hg19) VCF-style: chr17-74133677-G-A.
Identifiers: ClinVar variation 3356385 (VCV003356385.1).